The following is an entry in ClinVar:

ClinVar aggregate classification (germline): Uncertain significance (1 of 4 stars; one submission).

Conditions:
Proline dehydrogenase deficiency (HYRPRO1). Also called: PROLINE OXIDASE DEFICIENCY; Hyperprolinemia type 1. Identifiers: Orphanet 419, MedGen C0268529, MONDO:0009400, OMIM 239500.

Allele frequency attached by ClinVar (database versions not stated): ExAC 0.00001.

Submission:

Labcorp Genetics (formerly Invitae), Labcorp
Classification: Uncertain significance for Proline dehydrogenase deficiency. Last evaluated: 2022-07-24. Review status: criteria provided, single submitter. Criteria: Invitae Variant Classification Sherloc (09022015). Collection method: clinical testing. Allele origin: germline.
Comment: This variant has not been reported in the literature in individuals affected with PRODH-related conditions. In summary, the available evidence is currently insufficient to determine the role of this variant in disease. Therefore, it has been classified as a Variant of Uncertain Significance. Algorithms developed to predict the effect of missense changes on protein structure and function are either unavailable or do not agree on the potential impact of this missense change (SIFT: "Tolerated"; PolyPhen-2: "Possibly Damaging"; Align-GVGD: "Class C0"). This variant is present in population databases (rs746203888, gnomAD 0.003%). This sequence change replaces glycine, which is neutral and non-polar, with aspartic acid, which is acidic and polar, at codon 434 of the PRODH protein (p.Gly434Asp).

NM_016335.6(PRODH):c.1301G>A (p.Gly434Asp)

Gene: PRODH (proline dehydrogenase 1; minus strand). Cytogenetic location: 22q11.21.
Variant type: single nucleotide variant.
Coding change: c.1301G>A on transcript NM_016335.6 (MANE Select); coding-DNA position 1301, G replaced by A.
Protein change: p.Gly434Asp; replaces glycine 434 with aspartic acid.
Molecular consequence: missense variant.
Genome position (GRCh38, 1-based): chr22:18,918,442, C>T on the plus strand (G>A on the coding strand, the complement: PRODH is on the minus strand). VCF-style: chr22-18918442-C-T. GRCh37 (hg19) VCF-style: chr22-18905955-C-T.
Other names: c.977G>A, p.Gly326Asp (NM_001195226.2, NM_001368250.2); short protein forms G326D, G434D.
Identifiers: ClinVar variation 1971087 (VCV001971087.5), dbSNP rs746203888, ClinGen allele CA10094985.
Genomic context (GRCh38, chr22:18,918,442, plus strand): 5'-GCACGGGCTCGCTCCTGGGCCAGGTATGCGCCCCGCACCAGCTTGGCCCCAAAACACCAG[C>T]CCTCACGGCGAGCCAGCTCCACGTCCAGGGTCACATTGTCATAGGCATCCTGTGGGGCCA-3'
Protein context (NP_057419.5, residues 424-444): TLDVELARRE[Gly434Asp]WCFGAKLVRG